The following is an entry in ClinVar:

NM_005085.4(NUP214):c.3203C>T (p.Thr1068Ile)

Gene: NUP214 (nucleoporin 214; plus strand). Cytogenetic location: 9q34.13.
Variant type: single nucleotide variant.
Coding change: c.3203C>T on transcript NM_005085.4 (MANE Select); coding-DNA position 3203, C replaced by T.
Protein change: p.Thr1068Ile; replaces threonine 1068 with isoleucine.
Molecular consequence: missense variant.
Genome position (GRCh38, 1-based): chr9:131,175,505, C>T. VCF-style: chr9-131175505-C-T. GRCh37 (hg19) VCF-style: chr9-134050892-C-T.
Other names: c.3173C>T, p.Thr1058Ile (NM_001318324.2); short protein forms T1058I, T1068I.
Identifiers: ClinVar variation 2503301 (VCV002503301.1), dbSNP rs376694608, ClinGen allele CA5289544.

ClinVar aggregate classification (germline): Uncertain significance (1 of 4 stars; one submission).

Allele frequency attached by ClinVar (database versions not stated): ExAC 0.00001; gnomAD 0.00001; gnomAD exomes 0.00001; TOPMed 0.00001; ESP Exome Variant Server 0.00008.
gnomAD v4.1: 4 of 1,614,106 alleles (0.00025%); highest among the groups gnomAD compares: Non-Finnish European, 0.00034%; no homozygotes.

Submission:

GeneDx
Classification: Uncertain significance. Last evaluated: 2022-11-23. Review status: criteria provided, single submitter. Criteria: GeneDx Variant Classification Process June 2021. Collection method: clinical testing. Allele origin: germline. Affected: yes.
Comment: Not observed at significant frequency in large population cohorts (gnomAD); In silico analysis supports that this missense variant has a deleterious effect on protein structure/function; Has not been previously published as pathogenic or benign to our knowledge